The following is an entry in ClinVar:

NM_001267550.2(TTN):c.26893G>A (p.Glu8965Lys)

Gene: TTN (titin; minus strand). Cytogenetic location: 2q31.2.
Variant type: single nucleotide variant.
Coding change: c.26893G>A on transcript NM_001267550.2 (MANE Select); coding-DNA position 26893, G replaced by A.
Protein change: p.Glu8965Lys; replaces glutamic acid 8965 with lysine.
Molecular consequence: missense variant. On other transcripts: intron variant (3).
Genome position (GRCh38, 1-based): chr2:178,713,241, C>T on the plus strand (G>A on the coding strand, the complement: TTN is on the minus strand). VCF-style: chr2-178713241-C-T. GRCh37 (hg19) VCF-style: chr2-179577968-C-T.
Other names: c.23161G>A, p.Glu7721Lys (NM_133378.4); c.25942G>A, p.Glu8648Lys (NM_001256850.1); c.13282+24841G>A (NM_003319.4); c.13858+24841G>A (NM_133437.4); c.13657+24841G>A (NM_133432.3); short protein forms E7721K, E8965K, E8648K.
Identifiers: ClinVar variation 179441 (VCV000179441.38), dbSNP rs200325324, ClinGen allele CA184422.
Genomic context (GRCh38, chr2:178,713,241, plus strand): 5'-CAGTTAAAGCACAAGTATTATCTGTCAGGGTGGTCTGGTATTTCCTTCCACTACTGATCT[C>T]ATTTCCTTCATGGAACCAGGAGACAGAGATTGGAGGTGACCCATAGACTTTACACTCCAT-3'
Protein context (NP_001254479.2, residues 8955-8975): ISVSWFHEGN[Glu8965Lys]ISSGRKYQTT

ClinVar aggregate classification (germline): Conflicting classifications of pathogenicity. Review status: criteria provided, conflicting classifications (1 of 4 stars). 9 submissions from 9 submitters: Uncertain significance (6); Likely benign (1). 2 of the submissions do not count toward it. Last evaluated 2025-12-17.

Conditions:
TTN-related disorder. Also called: TTN-related disorders; TTN-related condition; TTN-related disease.
Dilated cardiomyopathy 1G (CMD1G). Identifiers: Orphanet 154, MedGen C1858763, MONDO:0011400, OMIM 604145.
Autosomal recessive limb-girdle muscular dystrophy type 2J (LGMDR10). Also called: Limb-girdle muscular dystrophy, type 2J; MUSCULAR DYSTROPHY, LIMB-GIRDLE, AUTOSOMAL RECESSIVE 10. Identifiers: Orphanet 140922, MedGen C1837342, MONDO:0012127, OMIM 608807.

Allele frequency attached by ClinVar (database versions not stated): TOPMed 0.00001; gnomAD 0.00003; gnomAD exomes 0.00005 and 0.00007; ExAC 0.00010.
gnomAD v4.1: 78 of 1,612,974 alleles (0.0048%); highest among the groups gnomAD compares: South Asian, 0.018%; no homozygotes.

Submissions (9):

PreventionGenetics, part of Exact Sciences
Classification: Uncertain significance for TTN-related condition. Last evaluated: 2025-12-17. Review status: criteria provided, single submitter. Criteria: ACMG Guidelines, 2015. Collection method: clinical testing. Allele origin: germline.
Comment: The TTN c.26893G>A variant is predicted to result in the amino acid substitution p.Glu8965Lys. This variant has been reported in an individual with dilated cardiomyopathy (described as c.23161G>A, p.Glu7721Lys in supplement table 2, Burstein et al. 2020. PubMed ID: 32746448). This variant is reported in 0.016% of alleles in individuals of European (Finnish) descent in gnomAD. At this time, the clinical significance of this variant is uncertain due to the absence of conclusive functional and genetic evidence.

Revvity Omics, Revvity
Classification: Uncertain significance. Last evaluated: 2025-06-05. Review status: criteria provided, single submitter. Criteria: ACMG Guidelines, 2015. Collection method: clinical testing. Allele origin: germline.

Blueprint Genetics
Classification: Uncertain significance. Last evaluated: 2023-10-25. Review status: criteria provided, single submitter. Criteria: ACMG Guidelines, 2015. Collection method: clinical testing. Allele origin: germline.

CeGaT Center for Human Genetics Tuebingen
Classification: Uncertain significance. Last evaluated: 2023-08-01. Review status: criteria provided, single submitter. Criteria: CeGaT Center For Human Genetics Tuebingen Variant Classification Criteria Version 2. Collection method: clinical testing. Allele origin: germline. Affected: yes. Observed: 1 variant allele.

GeneDx
Classification: Likely benign. Last evaluated: 2020-10-12. Review status: criteria provided, single submitter. Criteria: GeneDx Variant Classification Process June 2021. Collection method: clinical testing. Allele origin: germline. Affected: yes.

Labcorp Genetics (formerly Invitae), Labcorp
Classification: Uncertain significance for Dilated cardiomyopathy 1G; Autosomal recessive limb-girdle muscular dystrophy type 2J. Last evaluated: 2017-02-03. Review status: criteria provided, single submitter. Criteria: Invitae Variant Classification Sherloc (09022015). Collection method: clinical testing. Allele origin: germline.

Laboratory for Molecular Medicine, Mass General Brigham Personalized Medicine
Classification: Uncertain significance. Last evaluated: 2013-12-11. Review status: criteria provided, single submitter. Criteria: LMM Criteria. Collection method: clinical testing. Allele origin: germline. Observed: 1 variant allele.
Comment: The Glu7721Lys variant in TTN has not been reported in individuals with cardiomy opathy or in large population studies. Computational analyses (biochemical amino acid properties, conservation, AlignGVGD, PolyPhen2, and SIFT) do not provide s trong support for or against an impact to the protein. Additional information is needed to fully assess the clinical significance of the Glu7721Lys variant.

Clinical Genetics DNA and cytogenetics Diagnostics Lab, Erasmus MC, Erasmus Medical Center
Classification: Likely benign. Review status: no assertion criteria provided. Collection method: clinical testing. Allele origin: germline. Affected: yes. Study: VKGL Data-share Consensus. Not counted in ClinVar's aggregate classification.

Genome Diagnostics Laboratory, University Medical Center Utrecht
Classification: Likely benign. Review status: no assertion criteria provided. Collection method: clinical testing. Allele origin: germline. Affected: yes. Study: VKGL Data-share Consensus. Not counted in ClinVar's aggregate classification.